The following is an entry in ClinVar:

ClinVar aggregate classification (germline): Uncertain significance (1 of 4 stars; one submission).

Submission:

GeneDx
Classification: Uncertain significance. Last evaluated: 2026-02-24. Review status: criteria provided, single submitter. Criteria: GeneDx Variant Classification Process June 2021. Collection method: clinical testing. Allele origin: germline.
Comment: Not observed at significant frequency in large population cohorts (gnomAD); In silico analysis supports a deleterious effect on splicing; In silico analysis suggests that this missense variant does not alter protein structure/function; Has not been previously published as pathogenic or benign to our knowledge

NM_152722.5(HEPACAM):c.803G>A (p.Arg268Lys)

Gene: HEPACAM (hepatic and glial cell adhesion molecule; minus strand). Cytogenetic location: 11q24.2.
Variant type: single nucleotide variant.
Coding change: c.803G>A on transcript NM_152722.5 (MANE Select); coding-DNA position 803, G replaced by A.
Protein change: p.Arg268Lys; replaces arginine 268 with lysine.
Molecular consequence: missense variant.
Genome position (GRCh38, 1-based): chr11:124,923,340, C>T on the plus strand (G>A on the coding strand, the complement: HEPACAM is on the minus strand). VCF-style: chr11-124923340-C-T. GRCh37 (hg19) VCF-style: chr11-124793236-C-T.
Other names: c.803G>A, p.Arg268Lys (NM_001411043.1, NM_001441320.1); short protein forms R268K.
Identifiers: ClinVar variation 5009709 (VCV005009709.1).